The following is an entry in ClinVar:

ClinVar aggregate classification (germline): Uncertain significance (1 of 4 stars; one submission).

Conditions:
Pulmonary fibrosis and/or bone marrow failure, Telomere-related, 3. Also called: PULMONARY FIBROSIS AND/OR BONE MARROW FAILURE SYNDROME, TELOMERE-RELATED, 3. Identifiers: Orphanet 2032, MedGen C4225346, MONDO:0014613, OMIM 616373.
Dyskeratosis congenita, autosomal recessive 5 (DKCB5). Identifiers: MedGen C3554656, MONDO:0014076, OMIM 615190.

Submission:

Labcorp Genetics (formerly Invitae), Labcorp
Classification: Uncertain significance for Dyskeratosis congenita, autosomal recessive 5; Pulmonary fibrosis and/or bone marrow failure, Telomere-related, 3. Last evaluated: 2024-10-10. Review status: criteria provided, single submitter. Criteria: Invitae Variant Classification Sherloc (09022015). Collection method: clinical testing. Allele origin: germline.
Comment: This sequence change replaces serine, which is neutral and polar, with glycine, which is neutral and non-polar, at codon 815 of the RTEL1 protein (p.Ser815Gly). This variant is not present in population databases (gnomAD no frequency). This variant has not been reported in the literature in individuals affected with RTEL1-related conditions. An algorithm developed to predict the effect of missense changes on protein structure and function (PolyPhen-2) suggests that this variant is likely to be tolerated. In summary, the available evidence is currently insufficient to determine the role of this variant in disease. Therefore, it has been classified as a Variant of Uncertain Significance.

NM_001283009.2(RTEL1):c.2443A>G (p.Ser815Gly)

Genes: RTEL1 (regulator of telomere elongation helicase 1; plus strand), RTEL1-TNFRSF6B (RTEL1-TNFRSF6B readthrough (NMD candidate); plus strand). Cytogenetic location: 20q13.33.
Variant type: single nucleotide variant.
Coding change: c.2443A>G on transcript NM_001283009.2 (MANE Select); coding-DNA position 2443, A replaced by G.
Protein change: p.Ser815Gly; replaces serine 815 with glycine.
Molecular consequence: missense variant. On other transcripts: non-coding transcript variant (1).
Genome position (GRCh38, 1-based): chr20:63,690,834, A>G. VCF-style: chr20-63690834-A-G. GRCh37 (hg19) VCF-style: chr20-62322187-A-G.
Other names: c.1774A>G, p.Ser592Gly (NM_001283010.1); c.2443A>G, p.Ser815Gly (NM_016434.4); c.2515A>G, p.Ser839Gly (NM_032957.5); short protein forms S592G, S815G, S839G.
Identifiers: ClinVar variation 3750111 (VCV003750111.2).